The following is an entry in ClinVar:

ClinVar aggregate classification (germline): Pathogenic. Review status: criteria provided, multiple submitters, no conflicts (2 of 4 stars). 4 submissions from 4 submitters: Pathogenic (3). 1 of the submissions does not count toward it. Last evaluated 2025-10-29.

Conditions:
ABCA4-related disorder. Also called: ABCA4-related condition; ABCA4-related disorders. Identifiers: MedGen CN239167.
Severe early-childhood-onset retinal dystrophy (STGD1). Also called: Stargardt macular dystrophy; Juvenile onset macular degeneration; Stargardt disease 1; MACULAR DYSTROPHY WITH FLECKS, TYPE 1; STGD. Identifiers: Orphanet 364055, Orphanet 827, MedGen C1855465, MeSH D000080362, MONDO:0009549, OMIM 248200.

Allele frequency attached by ClinVar (database versions not stated): gnomAD exomes below 0.00001 and 0.00002; TOPMed below 0.00001; ExAC 0.00001.

Submissions (4):

Labcorp Genetics (formerly Invitae), Labcorp
Classification: Pathogenic. Last evaluated: 2025-10-29. Review status: criteria provided, single submitter. Criteria: Invitae Variant Classification Sherloc (09022015). Collection method: clinical testing. Allele origin: germline.
Comment: This sequence change creates a premature translational stop signal (p.Leu1627Argfs*35) in the ABCA4 gene. It is expected to result in an absent or disrupted protein product. Loss-of-function variants in ABCA4 are known to be pathogenic (PMID: 10958761, 24938718, 25312043, 26780318). This variant is present in population databases (rs763911476, gnomAD 0.009%). This variant has not been reported in the literature in individuals affected with ABCA4-related conditions. ClinVar contains an entry for this variant (Variation ID: 866120). For these reasons, this variant has been classified as Pathogenic.

PreventionGenetics, part of Exact Sciences
Classification: Pathogenic for ABCA4-related condition. Last evaluated: 2025-05-28. Review status: criteria provided, single submitter. Criteria: ACMG Guidelines, 2015. Collection method: clinical testing. Allele origin: germline.
Comment: The ABCA4 c.4880delT variant is predicted to result in a frameshift and premature protein termination (p.Leu1627Argfs*35). This variant has been reported in an individual with ABCA4-related retinal disease (García Bohórquez et al. 2021. PubMed ID: 34327195). This variant is reported in 0.0087% of alleles in individuals of Latino descent in gnomAD. Frameshift variants in ABCA4 are an established mechanism of disease. This variant is interpreted as pathogenic.

Blueprint Genetics
Classification: Pathogenic for ABCA4-related disorders. Last evaluated: 2018-08-15. Review status: criteria provided, single submitter. Criteria: ACMG Guidelines, 2015. Collection method: clinical testing. Allele origin: germline. Affected: yes. Observed: 3 variant alleles.

Ophthalmo-Genetics Lab, Instituto de Oftalmologia Conde de Valenciana
Classification: Pathogenic for Severe early-childhood-onset retinal dystrophy. Review status: no assertion criteria provided. Collection method: research. Allele origin: germline. Inheritance: Autosomal recessive inheritance. Affected: yes. Not counted in ClinVar's aggregate classification.

Literature cited by the submitters: PubMed 10958761 (cited by Labcorp Genetics (formerly Invitae), Labcorp); PubMed 24938718 (cited by Labcorp Genetics (formerly Invitae), Labcorp); PubMed 25312043 (cited by Labcorp Genetics (formerly Invitae), Labcorp); PubMed 26780318 (cited by Labcorp Genetics (formerly Invitae), Labcorp and Ophthalmo-Genetics Lab, Instituto de Oftalmologia Conde de Valenciana).

NM_000350.3(ABCA4):c.4880del (p.Leu1627fs)

Genes: ABCA4 (ATP binding cassette subfamily A member 4; minus strand), LOC126805793 (CDK7 strongly-dependent group 2 enhancer GRCh37_chr1:94486302-94487501; plus strand). Cytogenetic location: 1p22.1.
Variant type: Deletion.
Coding change: c.4880del on transcript NM_000350.3 (MANE Select); coding-DNA position 4880, one base deleted (T; older notation c.4880delT).
Protein change: p.Leu1627fs; shifts the reading frame from leucine 1627.
Molecular consequence: frameshift variant.
Genome position (GRCh38, 1-based): chr1:94,021,378, A deleted on the plus strand (T on the coding strand, the reverse complement: ABCA4 is on the minus strand). VCF-style (leftmost placement, unchanged base first): chr1-94021377-CA-C. GRCh37 (hg19) VCF-style: chr1-94486933-CA-C.
Other names: c.4658delT, p.Leu1553Argfs (NM_001425324.1); c.4880delT (NM_000350.2); short protein forms L1627fs.
Identifiers: ClinVar variation 866120 (VCV000866120.13), dbSNP rs763911476, ClinGen allele CA957434.